The following is an entry in ClinVar:

ClinVar aggregate classification (germline): Pathogenic (1 of 4 stars; one submission).

Submission:

ISCA site 17
Classification: Pathogenic. Last evaluated: 2011-08-12. Review status: criteria provided, single submitter. Criteria: Kaminsky et al. (Genet Med. 2011). Collection method: clinical testing. Allele origin: unknown. Affected: yes. Observed: 1 variant allele.
Comment: Copy number variation identified through the course of routine clinical cytogenomic testing in postnatal populations. Clinical assertions have been curated as described in Kaminsky et al. 2011.

GRCh38/hg38 21p11.2-q22.3(chr21:7749532-46670405)x3

Genes: LRRC3 (leucine rich repeat containing 3; plus strand), LRRC3-DT (LRRC3 divergent transcript; minus strand), LSS (lanosterol synthase; minus strand), LTN1 (listerin E3 ubiquitin protein ligase 1; minus strand), MAP3K7CL (MAP3K7 C-terminal like; plus strand) and 1158 more. Cytogenetic location: 21p11.2-q22.3.
Variant type: copy number gain.
Change: copy number 3 (three copies instead of two) of chr21:7,749,532-46,670,405 (38.92 Mb, GRCh38 coordinates, 1-based), cytogenetic band 21p11.2-q22.3.
Identifiers: ClinVar variation 59247 (VCV000059247.1).